The following is an entry in ClinVar:

NC_000012.11:g.(?_109535485)_(109577883_?)dup

Genes: UNG (uracil DNA glycosylase; plus strand), ACACB (acetyl-CoA carboxylase beta; plus strand). Cytogenetic location: 12q24.11.
Variant type: Duplication.
Identifiers: ClinVar variation 1347899 (VCV001347899.4).

ClinVar aggregate classification (germline): Uncertain significance (1 of 4 stars; one submission).

Conditions:
Hyper-IgM syndrome type 5 (HIGM5). Also called: Hyper-IgM Immunodeficiency Syndrome, Type 5. Identifiers: Orphanet 101092, MedGen C1720958, MONDO:0011971, OMIM 608106.

Submission:

Labcorp Genetics (formerly Invitae), Labcorp
Classification: Uncertain significance for Hyper-IgM syndrome type 5. Last evaluated: 2022-10-24. Review status: criteria provided, single submitter. Criteria: Invitae Variant Classification Sherloc (09022015). Collection method: clinical testing. Allele origin: germline.
Comment: A copy number gain of the genomic region encompassing the full coding sequence of the UNG gene has been identified. The boundaries of this event are unknown as they extend beyond the assayed region for this gene and therefore may encompass additional genes. As the precise location of this event is unknown, it may be in tandem or it may be located elsewhere in the genome. This variant has not been reported in the literature in individuals affected with UNG-related conditions. Experimental studies and prediction algorithms are not available or were not evaluated, and the functional significance of this variant is currently unknown. In summary, the available evidence is currently insufficient to determine the role of this variant in disease. Therefore, it has been classified as a Variant of Uncertain Significance.